The following is an entry in ClinVar:

ClinVar aggregate classification (germline): Uncertain significance. Review status: criteria provided, multiple submitters, no conflicts (2 of 4 stars). 2 submissions from 2 submitters: Uncertain significance (2). Last evaluated 2022-10-19.

Conditions:
Inborn genetic diseases. Identifiers: MedGen C0950123, MeSH D030342.
Congenital myasthenic syndrome 9. Also called: Myasthenic syndrome, congenital, 9, associated with acetylcholine receptor deficiency. Identifiers: Orphanet 590, MedGen C4225368, MONDO:0014587, OMIM 616325.
Fetal akinesia deformation sequence 1 (FADS1). Also called: Fetal akinesia sequence; Pena-Shokeir syndrome type I. Identifiers: Orphanet 994, MedGen C1276035, MONDO:0100101, OMIM 208150, HP:0001989.

Allele frequency attached by ClinVar (database versions not stated): TOPMed 0.00003; gnomAD exomes 0.00008 and 0.00003; ExAC 0.00009.
gnomAD v4.1: 116 of 1,564,914 alleles (0.0074%); highest among the groups gnomAD compares: Non-Finnish European, 0.0095%; no homozygotes.

Submissions (2):

Labcorp Genetics (formerly Invitae), Labcorp
Classification: Uncertain significance for Congenital myasthenic syndrome 9; Fetal akinesia deformation sequence 1. Last evaluated: 2022-10-19. Review status: criteria provided, single submitter. Criteria: Invitae Variant Classification Sherloc (09022015). Collection method: clinical testing. Allele origin: germline.
Comment: This sequence change replaces lysine, which is basic and polar, with asparagine, which is neutral and polar, at codon 156 of the MUSK protein (p.Lys156Asn). This variant is present in population databases (rs187347916, gnomAD 0.008%). This variant has not been reported in the literature in individuals affected with MUSK-related conditions. ClinVar contains an entry for this variant (Variation ID: 953463). Algorithms developed to predict the effect of missense changes on protein structure and function (SIFT, PolyPhen-2, Align-GVGD) all suggest that this variant is likely to be disruptive. In summary, the available evidence is currently insufficient to determine the role of this variant in disease. Therefore, it has been classified as a Variant of Uncertain Significance.

Ambry Genetics
Classification: Uncertain significance for Inborn genetic diseases. Last evaluated: 2022-04-28. Review status: criteria provided, single submitter. Criteria: Ambry Variant Classification Scheme 2023. Collection method: clinical testing. Allele origin: germline.

NM_005592.4(MUSK):c.468G>C (p.Lys156Asn)

Gene: MUSK (muscle associated receptor tyrosine kinase; plus strand). Cytogenetic location: 9q31.3.
Variant type: single nucleotide variant.
Coding change: c.468G>C on transcript NM_005592.4 (MANE Select); coding-DNA position 468, G replaced by C.
Protein change: p.Lys156Asn; replaces lysine 156 with asparagine.
Molecular consequence: missense variant.
Genome position (GRCh38, 1-based): chr9:110,695,512, G>C. VCF-style: chr9-110695512-G-C. GRCh37 (hg19) VCF-style: chr9-113457792-G-C.
Other names: c.468G>C, p.Lys156Asn (NM_001166280.2, NM_001166281.2); short protein forms K156N.
Identifiers: ClinVar variation 953463 (VCV000953463.8), dbSNP rs187347916, ClinGen allele CA5184012.